The following is an entry in ClinVar:

NM_001320.7(CSNK2B):c.349C>T (p.Gln117Ter)

Gene: CSNK2B (casein kinase 2 beta; plus strand). Cytogenetic location: 6p21.33.
Variant type: single nucleotide variant.
Coding change: c.349C>T on transcript NM_001320.7 (MANE Select); coding-DNA position 349, C replaced by T.
Protein change: p.Gln117Ter; replaces glutamine 117 with a stop codon.
Molecular consequence: nonsense.
Genome position (GRCh38, 1-based): chr6:31,669,154, C>T. VCF-style: chr6-31669154-C-T. GRCh37 (hg19) VCF-style: chr6-31636931-C-T.
Other names: c.349C>T, p.Gln117Ter (NM_001282385.2); short protein forms Q117*.
Identifiers: ClinVar variation 1679612 (VCV001679612.2), dbSNP rs2151188371, ClinGen allele CA363475270.
Genomic context (GRCh38, chr6:31,669,154, plus strand): 5'-CAGTTGGAAAAGTACCAGCAAGGAGACTTTGGTTACTGTCCTCGTGTGTACTGTGAGAAC[C>T]AGCCAATGCTTCCCATTGGTGAGTGTTGAAGAAGGGAAAGGAAAGCACCGTGTGGCAGTC-3'

ClinVar aggregate classification (germline): Pathogenic. Review status: criteria provided, multiple submitters, no conflicts (2 of 4 stars). 2 submissions from 2 submitters: Pathogenic (2). Last evaluated 2022-08-16.

Conditions:
Poirier-Bienvenu neurodevelopmental syndrome (POBINDS). Identifiers: Orphanet 689397, MedGen C5231482, MONDO:0032889, OMIM 618732.
CSNK2B-related disorder. Also called: CSNK2B-related condition.

Submissions (2):

Blueprint Genetics
Classification: Pathogenic for CSNK2B-related disorders. Last evaluated: 2022-08-16. Review status: criteria provided, single submitter. Criteria: ACMG Guidelines, 2015. Collection method: clinical testing. Allele origin: germline. Affected: yes. Observed: 1 variant allele.

New York Genome Center
Classification: Pathogenic for Poirier-Bienvenu neurodevelopmental syndrome. Last evaluated: 2021-05-14. Review status: criteria provided, single submitter. Criteria: NYGC Assertion Criteria 2020. Collection method: clinical testing. Allele origin: de novo. Observed: 1 heterozygote. Study: CSER-NYCKidSeq.
Comment: The de novo heterozygous c.349C>T (p.Gln117Ter) stop-gained variant identified in exon 5 (of 7) of the CSNK2B gene has not been reported in affected individuals in the literature. The variant creates a premature translation termination codon and is predicted to cause loss of normal protein function either through protein truncation or nonsense-mediated mRNA decay. Predicted Loss-of-function variants have been reported in the CSNK2B-associated disorder [PMID:31784560]. This variant is absent from gnomAD(v3) database suggesting it is not a common benign variant in the populations represented in that database. Based on the available evidence, the de novo heterozygous c.349C>T (p.Gln117Ter) stop-gained variant identified in the CSNK2B gene is reported as Pathogenic.